The following is an entry in ClinVar:

ClinVar aggregate classification (germline): Uncertain significance (0 of 4 stars; one submission).

Conditions:
PLXNA4-related disorder. Also called: PLXNA4-related condition.

Submission:

PreventionGenetics, part of Exact Sciences
Classification: Uncertain significance for PLXNA4-related condition. Last evaluated: 2024-02-28. Review status: no assertion criteria provided. Collection method: clinical testing. Allele origin: germline.
Comment: The PLXNA4 c.3674T>C variant is predicted to result in the amino acid substitution p.Met1225Thr. To our knowledge, this variant has not been reported in the literature or in a large population database, indicating this variant is rare. At this time, the clinical significance of this variant is uncertain due to the absence of conclusive functional and genetic evidence.

NM_020911.2(PLXNA4):c.3674T>C (p.Met1225Thr)

Gene: PLXNA4 (plexin A4; minus strand). Cytogenetic location: 7q32.3.
Variant type: single nucleotide variant.
Coding change: c.3674T>C on transcript NM_020911.2 (MANE Select); coding-DNA position 3674, T replaced by C.
Protein change: p.Met1225Thr; replaces methionine 1225 with threonine.
Molecular consequence: missense variant.
Genome position (GRCh38, 1-based): chr7:132,179,887, A>G on the plus strand (T>C on the coding strand, the complement: PLXNA4 is on the minus strand). VCF-style: chr7-132179887-A-G. GRCh37 (hg19) VCF-style: chr7-131864646-A-G.
Other names: c.3674T>C, p.Met1225Thr (NM_001393897.1); short protein forms M1225T.
Identifiers: ClinVar variation 3348414 (VCV003348414.1).